The following is an entry in ClinVar:

ClinVar aggregate classification (germline): Pathogenic/Likely pathogenic. Review status: criteria provided, multiple submitters, no conflicts (2 of 4 stars). 4 submissions from 4 submitters: Pathogenic (1); Likely pathogenic (2). 1 of the submissions does not count toward it. Last evaluated 2024-09-05.

Conditions:
Hereditary insensitivity to pain with anhidrosis (CIPA). Also called: HSAN Type IV; INSENSITIVITY TO PAIN, CONGENITAL, WITH ANHIDROSIS; hereditary sensory and autonomic neuropathy type 4; NTRK1 Congenital Insensitivity to Pain with Anhidrosis; FAMILIAL DYSAUTONOMIA, TYPE II; NEUROPATHY, CONGENITAL SENSORY, WITH ANHIDROSIS. Identifiers: Orphanet 642, MedGen C0020074, MONDO:0009746, OMIM 256800.

Allele frequency attached by ClinVar (database versions not stated): gnomAD exomes 0.00001.
gnomAD v4.1: 19 of 1,613,538 alleles (0.0012%); highest among the groups gnomAD compares: Non-Finnish European, 0.0014%; no homozygotes.

Submissions (4):

Natera, Inc.
Classification: Likely pathogenic for Hereditary insensitivity to pain with anhidrosis. Last evaluated: 2024-09-05. Review status: criteria provided, single submitter. Criteria: Natera Variant Classification Schema (03/2026). Collection method: clinical testing. Allele origin: germline.
Comment: The c.2066C>T variant in NTRK1 is a missense variant predicted to cause substitution of proline to leucine at amino acid 689. This variant is rare in the general population with a frequency below the threshold expected for the associated phenotype(s). This variant has been observed in one or more individuals affected with the associated recessive disease, as either homozygous or compound heterozygous with a second variant (PMID: 10861667, 30774415). Additionally, this variant has been observed to segregate in affected family members (PMID: 30774415). Computational prediction algorithms indicate this variant is likely to affect gene or protein function. Given the available evidence, this variant is classified as Likely Pathogenic.

Fulgent Genetics
Classification: Likely pathogenic for Hereditary insensitivity to pain with anhidrosis. Last evaluated: 2024-03-23. Review status: criteria provided, single submitter. Criteria: ACMG Guidelines, 2015. Collection method: clinical testing. Allele origin: germline.

Labcorp Genetics (formerly Invitae), Labcorp
Classification: Pathogenic for Hereditary insensitivity to pain with anhidrosis. Last evaluated: 2023-07-16. Review status: criteria provided, single submitter. Criteria: Invitae Variant Classification Sherloc (09022015). Collection method: clinical testing. Allele origin: germline.
Comment: For these reasons, this variant has been classified as Pathogenic. Advanced modeling of protein sequence and biophysical properties (such as structural, functional, and spatial information, amino acid conservation, physicochemical variation, residue mobility, and thermodynamic stability) has been performed at Invitae for this missense variant, however the output from this modeling did not meet the statistical confidence thresholds required to predict the impact of this variant on NTRK1 protein function. ClinVar contains an entry for this variant (Variation ID: 12310). This missense change has been observed in individuals with congenital insensitivity to pain with anhidrosis (PMID: 10861667, 30774415). It has also been observed to segregate with disease in related individuals. This variant is not present in population databases (gnomAD no frequency). This sequence change replaces proline, which is neutral and non-polar, with leucine, which is neutral and non-polar, at codon 689 of the NTRK1 protein (p.Pro689Leu).

OMIM
Classification: Pathogenic for INSENSITIVITY TO PAIN, CONGENITAL, WITH ANHIDROSIS. Last evaluated: 2000-06-19. Review status: no assertion criteria provided. Collection method: literature only. Allele origin: germline. Not counted in ClinVar's aggregate classification.

Literature cited by the submitters: PubMed 10861667 (cited by 3 submitters); PubMed 30774415 (cited by Natera, Inc. and Labcorp Genetics (formerly Invitae), Labcorp).

NM_002529.4(NTRK1):c.2084C>T (p.Pro695Leu)

Gene: NTRK1 (neurotrophic receptor tyrosine kinase 1; plus strand). Cytogenetic location: 1q23.1.
Variant type: single nucleotide variant.
Coding change: c.2084C>T on transcript NM_002529.4 (MANE Select); coding-DNA position 2084, C replaced by T.
Protein change: p.Pro695Leu; replaces proline 695 with leucine.
Molecular consequence: missense variant.
Genome position (GRCh38, 1-based): chr1:156,880,036, C>T. VCF-style: chr1-156880036-C-T. GRCh37 (hg19) VCF-style: chr1-156849828-C-T.
Other names: c.1976C>T, p.Pro659Leu (NM_001007792.1); c.2066C>T, p.Pro689Leu (NM_001012331.2); short protein forms P689L, P659L, P695L.
Identifiers: ClinVar variation 12310 (VCV000012310.18), dbSNP rs121964868, ClinGen allele CA256288.